The following is an entry in ClinVar:

NM_003118.4(SPARC):c.209-3C>T

Gene: SPARC (secreted protein acidic and cysteine rich; minus strand). Cytogenetic location: 5q33.1.
Variant type: single nucleotide variant.
Coding change: c.209-3C>T on transcript NM_003118.4 (MANE Select); 3 bases into the intron before coding-DNA position 209, C replaced by T.
Molecular consequence: intron variant.
Genome position (GRCh38, 1-based): chr5:151,671,697, G>A on the plus strand (C>T on the coding strand, the complement: SPARC is on the minus strand). VCF-style: chr5-151671697-G-A. GRCh37 (hg19) VCF-style: chr5-151051258-G-A.
Other names: c.206-3C>T (NM_001309443.2); c.209-3C>T (NM_001309444.2).
Identifiers: ClinVar variation 2103605 (VCV002103605.2), dbSNP rs111230096, ClinGen allele CA1591495099.

ClinVar aggregate classification (germline): Uncertain significance (1 of 4 stars; one submission).

Allele frequency attached by ClinVar (database versions not stated): gnomAD exomes below 0.00001; TOPMed below 0.00001.
gnomAD v4.1: 1 of 1,613,726 alleles (0.000062%); highest among the groups gnomAD compares: Non-Finnish European, 0.000085%; no homozygotes.

Submission:

Labcorp Genetics (formerly Invitae), Labcorp
Classification: Uncertain significance. Last evaluated: 2022-02-25. Review status: criteria provided, single submitter. Criteria: Invitae Variant Classification Sherloc (09022015). Collection method: clinical testing. Allele origin: germline.
Comment: In summary, the available evidence is currently insufficient to determine the role of this variant in disease. Therefore, it has been classified as a Variant of Uncertain Significance. Variants that disrupt the consensus splice site are a relatively common cause of aberrant splicing (PMID: 17576681, 9536098). Algorithms developed to predict the effect of sequence changes on RNA splicing suggest that this variant is not likely to affect RNA splicing. This variant has not been reported in the literature in individuals affected with SPARC-related conditions. This variant is not present in population databases (gnomAD no frequency). This sequence change falls in intron 4 of the SPARC gene. It does not directly change the encoded amino acid sequence of the SPARC protein. It affects a nucleotide within the consensus splice site.

Literature cited by the submitters: PubMed 17576681; PubMed 9536098.